The following is an entry in ClinVar:

ClinVar aggregate classification (germline): Benign. Review status: criteria provided, multiple submitters, no conflicts (2 of 4 stars). 3 submissions from 3 submitters: Benign (2). 1 of the submissions does not count toward it. Last evaluated 2016-03-29.

Conditions:
DNAH7-related disorder. Also called: DNAH7-related condition.

Allele frequency attached by ClinVar (database versions not stated): 1000 Genomes Project 30x 0.96034; TOPMed 0.96114; 1000 Genomes Project 0.96126; ESP Exome Variant Server 0.96325; gnomAD 0.96325 and 0.96572; ExAC 0.98935; gnomAD exomes 0.99134 and 0.99671.
gnomAD v4.1: 1,603,714 of 1,613,984 alleles (99%); highest among the groups gnomAD compares: East Asian, 100%; 797,285 homozygotes.

Submissions (3):

Laboratory for Molecular Medicine, Mass General Brigham Personalized Medicine
Classification: Benign. Last evaluated: 2016-03-29. Review status: criteria provided, single submitter. Criteria: LMM Criteria. Collection method: clinical testing. Allele origin: germline.
Comment: Variant identified in a genome or exome case(s) and assessed due to predicted null impact of the variant or pathogenic assertions in the literature or databases. Disclaimer: This variant has not undergone full assessment. The following are preliminary notes: Frequency

Breakthrough Genomics
Classification: Benign. Review status: criteria provided, single submitter. Criteria: ACMG Guidelines, 2015. Collection method: not provided. Allele origin: germline. Inheritance: Unknown mechanism. Affected: yes.

PreventionGenetics, part of Exact Sciences
Classification: Benign for DNAH7-related condition. Last evaluated: 2019-05-08. Review status: no assertion criteria provided. Collection method: clinical testing. Allele origin: germline. Not counted in ClinVar's aggregate classification.
Comment: This variant is classified as benign based on ACMG/AMP sequence variant interpretation guidelines (Richards et al. 2015 PMID: 25741868, with internal and published modifications).

NM_018897.3(DNAH7):c.9956T>C (p.Leu3319Pro)

Gene: DNAH7 (dynein axonemal heavy chain 7; minus strand). Cytogenetic location: 2q32.3.
Variant type: single nucleotide variant.
Coding change: c.9956T>C on transcript NM_018897.3 (MANE Select); coding-DNA position 9956, T replaced by C.
Protein change: p.Leu3319Pro; replaces leucine 3319 with proline.
Molecular consequence: missense variant.
Genome position (GRCh38, 1-based): chr2:195,808,809, A>G on the plus strand (T>C on the coding strand, the complement: DNAH7 is on the minus strand). VCF-style: chr2-195808809-A-G. GRCh37 (hg19) VCF-style: chr2-196673533-A-G.
Other names: short protein forms L3319P.
Identifiers: ClinVar variation 402748 (VCV000402748.7), dbSNP rs13411834, ClinGen allele CA2034233.